The following is an entry in ClinVar:

NM_000038.6(APC):c.8345C>G (p.Thr2782Ser)

Gene: APC (APC regulator of Wnt signaling pathway; plus strand). Cytogenetic location: 5q22.2.
Variant type: single nucleotide variant.
Coding change: c.8345C>G on transcript NM_000038.6 (MANE Select); coding-DNA position 8345, C replaced by G.
Protein change: p.Thr2782Ser; replaces threonine 2782 with serine.
Molecular consequence: missense variant.
Genome position (GRCh38, 1-based): chr5:112,843,939, C>G. VCF-style: chr5-112843939-C-G. GRCh37 (hg19) VCF-style: chr5-112179636-C-G.
Other names: c.8345C>G, p.Thr2782Ser (NM_001127510.3, NM_001354895.2, NM_001407450.1); c.8291C>G, p.Thr2764Ser (NM_001127511.3); c.8399C>G, p.Thr2800Ser (NM_001354896.2, NM_001407447.1, NM_001407448.1 and 1 more transcripts); c.8375C>G, p.Thr2792Ser (NM_001354897.2); c.8270C>G, p.Thr2757Ser (NM_001354898.2); c.8261C>G, p.Thr2754Ser (NM_001354899.2); c.8222C>G, p.Thr2741Ser (NM_001354900.2); c.8168C>G, p.Thr2723Ser (NM_001354901.2, NM_001407453.1); and 11 more; short protein forms T2499S, T2653S, T2691S, T2754S, T2764S, T2775S, T2782S, T2398S.
Identifiers: ClinVar variation 1763010 (VCV001763010.3), dbSNP rs1409585499, ClinGen allele CA16039438.

ClinVar aggregate classification (germline): Uncertain significance. Review status: criteria provided, multiple submitters, no conflicts (2 of 4 stars). 2 submissions from 2 submitters: Uncertain significance (2). Last evaluated 2024-07-29.

Conditions:
Classic or attenuated familial adenomatous polyposis. Identifiers: MedGen CN372698, MONDO:0021057.
Hereditary cancer-predisposing syndrome. Also called: Neoplastic Syndromes, Hereditary; Tumor predisposition; Hereditary Cancer Syndrome; Hereditary neoplastic syndrome. Identifiers: Orphanet 140162, MedGen C0027672, MeSH D009386, MONDO:0015356.

Allele frequency attached by ClinVar (database versions not stated): gnomAD exomes below 0.00001.
gnomAD v4.1: 1 of 1,610,558 alleles (0.000062%); highest among the groups gnomAD compares: South Asian, 0.0011%; no homozygotes.

Submissions (2):

All of Us Research Program, National Institutes of Health
Classification: Uncertain significance for Classic or attenuated familial adenomatous polyposis. Last evaluated: 2024-07-29. Review status: criteria provided, single submitter. Criteria: ACMG Guidelines, 2015. Collection method: clinical testing. Allele origin: germline. Inheritance: Autosomal dominant inheritance. Observed: 1 variant allele, 1 heterozygote.
Comment: This missense variant replaces threonine with serine at codon 2782 of the APC protein. Computational prediction suggests that this variant may not impact protein structure and function (internally defined REVEL score threshold <= 0.5, PMID: 27666373). To our knowledge, functional studies have not been reported for this variant. This variant has not been reported in individuals affected with APC-related disorders in the literature. This variant has been identified in 1/248448 chromosomes in the general population by the Genome Aggregation Database (gnomAD). The available evidence is insufficient to determine the role of this variant in disease conclusively. Therefore, this variant is classified as a Variant of Uncertain Significance.

This study involves interpretation of variants in research participants for the purpose of population health screening. Participant phenotype was not available at the time of variant classification. Additional details can be found in publication PMID: 35346344, PMCID: PMC8962531

Ambry Genetics
Classification: Uncertain significance for Hereditary cancer-predisposing syndrome. Last evaluated: 2022-04-08. Review status: criteria provided, single submitter. Criteria: Ambry Variant Classification Scheme 2023. Collection method: clinical testing. Allele origin: germline.
Comment: The p.T2782S variant (also known as c.8345C>G), located in coding exon 15 of the APC gene, results from a C to G substitution at nucleotide position 8345. The threonine at codon 2782 is replaced by serine, an amino acid with similar properties. This amino acid position is conserved. In addition, in silico predictors for this gene do not accurately predict pathogenicity. Since supporting evidence is limited at this time, the clinical significance of this alteration remains unclear.